The following is an entry in ClinVar:

NM_001005242.3(PKP2):c.2168-4G>C

Gene: PKP2 (plakophilin 2; minus strand). Cytogenetic location: 12p11.21.
Variant type: single nucleotide variant.
Coding change: c.2168-4G>C on transcript NM_001005242.3 (MANE Select); 4 bases into the intron before coding-DNA position 2168, G replaced by C.
Molecular consequence: intron variant.
Genome position (GRCh38, 1-based): chr12:32,796,302, C>G on the plus strand (G>C on the coding strand, the complement: PKP2 is on the minus strand). VCF-style: chr12-32796302-C-G. GRCh37 (hg19) VCF-style: chr12-32949236-C-G.
Other names: c.2300-4G>C (NM_004572.4); c.2168-4G>C (NM_001005242.2).
Identifiers: ClinVar variation 496258 (VCV000496258.25), dbSNP rs376231586, ClinGen allele CA034650.

ClinVar aggregate classification (germline): Benign/Likely benign. Review status: criteria provided, multiple submitters, no conflicts (2 of 4 stars). 7 submissions from 7 submitters: Benign (1); Likely benign (5). 1 of the submissions does not count toward it. Last evaluated 2026-01-10.

Conditions:
Cardiovascular phenotype. Identifiers: MedGen CN230736.
PKP2-related disorder. Also called: PKP2-related condition.
Cardiomyopathy (CMYO). Also called: Cardiomyopathies. Identifiers: Orphanet 167848, MedGen C0878544, MONDO:0004994, HP:0001638. Inheritance: Various modes of inheritance.
Arrhythmogenic right ventricular dysplasia 9 (ARVD9). Also called: ARRHYTHMOGENIC RIGHT VENTRICULAR DYSPLASIA, FAMILIAL, 9; Arrhythmogenic Right Ventricular Dysplasia/Cardiomyopathy 9. Identifiers: MedGen C1836906, MONDO:0012180, OMIM 609040.

Allele frequency attached by ClinVar (database versions not stated): ESP Exome Variant Server 0.00008; TOPMed 0.00025; gnomAD exomes 0.00026.
gnomAD v4.1: 379 of 1,524,488 alleles (0.025%); highest among the groups gnomAD compares: Non-Finnish European, 0.033%; no homozygotes.

Submissions (7):

Labcorp Genetics (formerly Invitae), Labcorp
Classification: Likely benign for Arrhythmogenic right ventricular dysplasia 9. Last evaluated: 2026-01-10. Review status: criteria provided, single submitter. Criteria: Invitae Variant Classification Sherloc (09022015). Collection method: clinical testing. Allele origin: germline.

Women's Health and Genetics/Laboratory Corporation of America, LabCorp
Classification: Likely benign. Last evaluated: 2025-04-28. Review status: criteria provided, single submitter. Criteria: LabCorp Variant Classification Summary - May 2015. Collection method: clinical testing. Allele origin: germline.
Comment: Variant summary: PKP2 c.2300-4G>C alters a conserved nucleotide located at a position not widely known to affect splicing. Consensus agreement among computation tools predict no significant impact on normal splicing. However, these predictions have yet to be confirmed by functional studies. The variant allele was found at a frequency of 9.2e-05 in 228390 control chromosomes. This frequency is not significantly higher than estimated for a pathogenic variant in PKP2 causing Cardiomyopathy (9.2e-05 vs 0.0011), allowing no conclusion about variant significance. To our knowledge, no occurrence of c.2300-4G>C in individuals affected with Cardiomyopathy and no experimental evidence demonstrating its impact on protein function have been reported. ClinVar contains an entry for this variant (Variation ID: 496258). Based on the evidence outlined above, the variant was classified as likely benign.

Molecular Diagnostic Laboratory for Inherited Cardiovascular Disease, Montreal Heart Institute
Classification: Likely benign. Last evaluated: 2025-04-09. Review status: criteria provided, single submitter. Criteria: ACMG Guidelines, 2015. Collection method: clinical testing. Allele origin: germline. Affected: no.

Ambry Genetics
Classification: Likely benign for Cardiovascular phenotype. Last evaluated: 2023-11-02. Review status: criteria provided, single submitter. Criteria: Ambry Variant Classification Scheme 2023. Collection method: clinical testing. Allele origin: germline.

Color Diagnostics, LLC DBA Color Health
Classification: Likely benign for Cardiomyopathy. Last evaluated: 2018-10-08. Review status: criteria provided, single submitter. Criteria: ACMG Guidelines, 2015. Collection method: clinical testing. Allele origin: germline.

GeneDx
Classification: Benign. Last evaluated: 2015-03-03. Review status: criteria provided, single submitter. Criteria: GeneDx Variant Classification Process June 2021. Collection method: clinical testing. Allele origin: germline. Affected: yes.

PreventionGenetics, part of Exact Sciences
Classification: Likely benign for PKP2-related condition. Last evaluated: 2019-08-06. Review status: no assertion criteria provided. Collection method: clinical testing. Allele origin: germline. Not counted in ClinVar's aggregate classification.
Comment: This variant is classified as likely benign based on ACMG/AMP sequence variant interpretation guidelines (Richards et al. 2015 PMID: 25741868, with internal and published modifications).